The following is an entry in ClinVar:

ClinVar aggregate classification (germline): Pathogenic (1 of 4 stars; one submission).

Submission:

Labcorp Genetics (formerly Invitae), Labcorp
Classification: Pathogenic. Last evaluated: 2023-09-11. Review status: criteria provided, single submitter. Criteria: Invitae Variant Classification Sherloc (09022015). Collection method: clinical testing. Allele origin: unknown.
Comment: This variant is a gross deletion of the genomic region encompassing exon(s) 17-23 of the ABCA4 gene. This deletion is out-of-frame, and is expected to create a premature termination codon and result in an absent or disrupted protein product. Loss-of-function variants in ABCA4 are known to be pathogenic (PMID: 10958761, 24938718, 25312043, 26780318). This variant has not been reported in the literature in individuals affected with ABCA4-related conditions. For these reasons, this variant has been classified as Pathogenic.

Literature cited by the submitters: PubMed 10958761; PubMed 24938718; PubMed 25312043; PubMed 26780318.

NC_000001.10:g.(?_94506745)_(94517274_?)del

Gene: ABCA4 (ATP binding cassette subfamily A member 4; minus strand). Cytogenetic location: 1p22.1.
Variant type: Deletion.
Identifiers: ClinVar variation 3247887 (VCV003247887.1).